The following is an entry in ClinVar:

NM_000238.4(KCNH2):c.805del (p.Arg269fs)

Gene: KCNH2 (potassium voltage-gated channel subfamily H member 2; minus strand). Cytogenetic location: 7q36.1.
Variant type: Deletion.
Coding change: c.805del on transcript NM_000238.4 (MANE Select); coding-DNA position 805, one base deleted (C; older notation c.805delC).
Protein change: p.Arg269fs; shifts the reading frame from arginine 269.
Molecular consequence: frameshift variant.
Genome position (GRCh38, 1-based): chr7:150,958,170, G deleted on the plus strand (C on the coding strand, the reverse complement: KCNH2 is on the minus strand); the first of 3 consecutive G bases (chr7:150,958,170-150,958,172); deleting any one gives the same sequence. VCF-style (leftmost placement, unchanged base first): chr7-150958169-CG-C. GRCh37 (hg19) VCF-style: chr7-150655257-CG-C.
Other names: c.515delC, p.Arg173Glyfs (NM_001406753.1, NM_001406756.1); c.626delC, p.Arg210Glyfs (NM_001406755.1); c.503delC, p.Arg169Glyfs (NM_001406757.1); c.803delC, p.Arg269Glyfs (NM_172056.3); short protein forms R269fs.
Identifiers: ClinVar variation 1410227 (VCV001410227.8), dbSNP rs2117003707, ClinGen allele CA2573141815.

ClinVar aggregate classification (germline): Pathogenic (1 of 4 stars; one submission).

Conditions:
Long QT syndrome (LQTS). Identifiers: MedGen C0023976, MeSH D008133, MONDO:0002442. Disease mechanism: loss of function. Inheritance: Various modes of inheritance.

Submission:

Labcorp Genetics (formerly Invitae), Labcorp
Classification: Pathogenic for Long QT syndrome. Last evaluated: 2023-06-29. Review status: criteria provided, single submitter. Criteria: Invitae Variant Classification Sherloc (09022015). Collection method: clinical testing. Allele origin: germline.
Comment: This sequence change creates a premature translational stop signal (p.Arg269Glyfs*91) in the KCNH2 gene. It is expected to result in an absent or disrupted protein product. Loss-of-function variants in KCNH2 are known to be pathogenic (PMID: 10973849, 19862833). This variant is not present in population databases (gnomAD no frequency). This variant has not been reported in the literature in individuals affected with KCNH2-related conditions. ClinVar contains an entry for this variant (Variation ID: 1410227). For these reasons, this variant has been classified as Pathogenic.

Literature cited by the submitters: PubMed 10973849; PubMed 19862833.